The following is an entry in ClinVar:

NM_183050.4(BCKDHB):c.932A>T (p.Asp311Val)

Gene: BCKDHB (branched chain keto acid dehydrogenase E1 subunit beta; plus strand). Cytogenetic location: 6q14.1.
Variant type: single nucleotide variant.
Coding change: c.932A>T on transcript NM_183050.4 (MANE Select); coding-DNA position 932, A replaced by T.
Protein change: p.Asp311Val; replaces aspartic acid 311 with valine.
Molecular consequence: missense variant. On other transcripts: non-coding transcript variant (6).
Genome position (GRCh38, 1-based): chr6:80,203,193, A>T. VCF-style: chr6-80203193-A-T. GRCh37 (hg19) VCF-style: chr6-80912910-A-T.
Other names: c.932A>T, p.Asp311Val (NM_000056.5, NM_001424035.1, NM_001424036.1 and 7 more transcripts); c.722A>T, p.Asp241Val (NM_001318975.1, NM_001424043.1); short protein forms D311V, D241V.
Identifiers: ClinVar variation 3004088 (VCV003004088.3), dbSNP rs1452496837, ClinGen allele CA364660294.

ClinVar aggregate classification (germline): Pathogenic (1 of 4 stars; one submission).

Conditions:
Maple syrup urine disease (MSUD). Identifiers: Orphanet 511, MedGen C0024776, MeSH D008375, MONDO:0009563. Disease mechanism: loss of function.

Submission:

Labcorp Genetics (formerly Invitae), Labcorp
Classification: Pathogenic for Maple syrup urine disease. Last evaluated: 2023-08-28. Review status: criteria provided, single submitter. Criteria: Invitae Variant Classification Sherloc (09022015). Collection method: clinical testing. Allele origin: germline.
Comment: For these reasons, this variant has been classified as Pathogenic. This sequence change replaces aspartic acid, which is acidic and polar, with valine, which is neutral and non-polar, at codon 311 of the BCKDHB protein (p.Asp311Val). This variant is not present in population databases (gnomAD no frequency). This missense change has been observed in individual(s) with clinical features of maple syrup urine disease (Invitae). In at least one individual the data is consistent with being in trans (on the opposite chromosome) from a pathogenic variant. Advanced modeling of protein sequence and biophysical properties (such as structural, functional, and spatial information, amino acid conservation, physicochemical variation, residue mobility, and thermodynamic stability) performed at Invitae indicates that this missense variant is expected to disrupt BCKDHB protein function. This variant disrupts the p.Asp311 amino acid residue in BCKDHB. Other variant(s) that disrupt this residue have been observed in individuals with BCKDHB-related conditions (PMID: 26232051), which suggests that this may be a clinically significant amino acid residue.

Literature cited by the submitters: PubMed 26232051.